The following is an entry in ClinVar:

ClinVar aggregate classification (germline): Uncertain significance (1 of 4 stars; one submission).

Submission:

Labcorp Genetics (formerly Invitae), Labcorp
Classification: Uncertain significance. Last evaluated: 2024-08-30. Review status: criteria provided, single submitter. Criteria: Invitae Variant Classification Sherloc (09022015). Collection method: clinical testing. Allele origin: germline.
Comment: This sequence change replaces leucine, which is neutral and non-polar, with phenylalanine, which is neutral and non-polar, at codon 1899 of the NBEA protein (p.Leu1899Phe). This variant is not present in population databases (gnomAD no frequency). This variant has not been reported in the literature in individuals affected with NBEA-related conditions. Invitae Evidence Modeling of protein sequence and biophysical properties (such as structural, functional, and spatial information, amino acid conservation, physicochemical variation, residue mobility, and thermodynamic stability) indicates that this missense variant is expected to disrupt NBEA protein function with a positive predictive value of 80%. In summary, the available evidence is currently insufficient to determine the role of this variant in disease. Therefore, it has been classified as a Variant of Uncertain Significance.

NM_001385012.1(NBEA):c.5695C>T (p.Leu1899Phe)

Gene: NBEA (neurobeachin; plus strand). Cytogenetic location: 13q13.3.
Variant type: single nucleotide variant.
Coding change: c.5695C>T on transcript NM_001385012.1 (MANE Select); coding-DNA position 5695, C replaced by T.
Protein change: p.Leu1899Phe; replaces leucine 1899 with phenylalanine.
Molecular consequence: missense variant.
Genome position (GRCh38, 1-based): chr13:35,232,538, C>T. VCF-style: chr13-35232538-C-T. GRCh37 (hg19) VCF-style: chr13-35806675-C-T.
Other names: c.5686C>T, p.Leu1896Phe (NM_001379245.1); c.5695C>T, p.Leu1899Phe (NM_015678.5); short protein forms L1896F, L1899F.
Identifiers: ClinVar variation 2844849 (VCV002844849.3), dbSNP rs2504610744, ClinGen allele CA387840574.